The following is an entry in ClinVar:

NM_001347721.2(DYRK1A):c.1211G>C (p.Arg404Pro)

Gene: DYRK1A (dual specificity tyrosine phosphorylation regulated kinase 1A; plus strand). Cytogenetic location: 21q22.13.
Variant type: single nucleotide variant.
Coding change: c.1211G>C on transcript NM_001347721.2 (MANE Select); coding-DNA position 1211, G replaced by C.
Protein change: p.Arg404Pro; replaces arginine 404 with proline.
Molecular consequence: missense variant.
Genome position (GRCh38, 1-based): chr21:37,496,257, G>C. VCF-style: chr21-37496257-G-C. GRCh37 (hg19) VCF-style: chr21-38868559-G-C.
Other names: c.1211G>C, p.Arg404Pro (NM_001347722.2, NM_130436.2); c.1124G>C, p.Arg375Pro (NM_001347723.2); c.1238G>C, p.Arg413Pro (NM_001396.5, NM_101395.2, NM_130438.2); short protein forms R375P, R404P, R413P.
Identifiers: ClinVar variation 1512001 (VCV001512001.8), dbSNP rs770415010, ClinGen allele CA409937213.

ClinVar aggregate classification (germline): Uncertain significance (1 of 4 stars; one submission).

Conditions:
DYRK1A-related intellectual disability syndrome (MRD7). Also called: Intellectual developmental disorder, autosomal dominant 7; DYRK1A Syndrome. Identifiers: Orphanet 464306, MedGen C5568143, MONDO:0013578, OMIM 614104.

Submission:

Labcorp Genetics (formerly Invitae), Labcorp
Classification: Uncertain significance for DYRK1A-related intellectual disability syndrome. Last evaluated: 2021-02-19. Review status: criteria provided, single submitter. Criteria: Invitae Variant Classification Sherloc (09022015). Collection method: clinical testing. Allele origin: germline.
Comment: In summary, the available evidence is currently insufficient to determine the role of this variant in disease. Therefore, it has been classified as a Variant of Uncertain Significance. Algorithms developed to predict the effect of missense changes on protein structure and function are either unavailable or do not agree on the potential impact of this missense change (SIFT: "Deleterious"; PolyPhen-2: "Benign"; Align-GVGD: "Class C35"). This variant has not been reported in the literature in individuals with DYRK1A-related conditions. This variant is not present in population databases (ExAC no frequency). This sequence change replaces arginine with proline at codon 413 of the DYRK1A protein (p.Arg413Pro). The arginine residue is highly conserved and there is a moderate physicochemical difference between arginine and proline.